The following is an entry in ClinVar:

NM_004333.6(BRAF):c.1448A>C (p.Lys483Thr)

Gene: BRAF (B-Raf proto-oncogene, serine/threonine kinase; minus strand). Cytogenetic location: 7q34.
Variant type: single nucleotide variant.
Coding change: c.1448A>C on transcript NM_004333.6 (MANE Select); coding-DNA position 1448, A replaced by C.
Protein change: p.Lys483Thr; replaces lysine 483 with threonine.
Molecular consequence: missense variant.
Genome position (GRCh38, 1-based): chr7:140,778,060, T>G on the plus strand (A>C on the coding strand, the complement: BRAF is on the minus strand). VCF-style: chr7-140778060-T-G. GRCh37 (hg19) VCF-style: chr7-140477860-T-G.
Other names: c.1448A>C, p.Lys483Thr (NM_001354609.2); c.1568A>C, p.Lys523Thr (NM_001374244.1, NM_001374258.1); short protein forms K483T, K523T.
Identifiers: ClinVar variation 666412 (VCV000666412.8), dbSNP rs1586126581, ClinGen allele CA369588493.
Genomic context (GRCh38, chr7:140,778,060, plus strand): 5'-CCTACTTCATTTTTGAAGGCTTGTAACTGCTGAGGTGTAGGTGCTGTCACATTCAACATT[T>G]TCACTGCCACATCACCTAAAAGGCAATTGTTACTCCAAGTGTCATTTCAATTTTTAAAAT-3'
Protein context (NP_004324.2, residues 473-493): KGKWHGDVAV[Lys483Thr]MLNVTAPTPQ

ClinVar aggregate classification (germline): Pathogenic. Review status: criteria provided, single submitter (1 of 4 stars). 2 submissions from 2 submitters: Pathogenic (1). 1 of the submissions does not count toward it. Last evaluated 2024-09-26.

Conditions:
RASopathy. Also called: rasopathies; Noonan spectrum disorder. Identifiers: Orphanet 536391, MedGen C5555857, MONDO:0021060.
Cardio-facio-cutaneous syndrome. Also called: Cardiofaciocutaneous syndrome; CFC syndrome. Identifiers: Orphanet 1340, MedGen C1275081, MONDO:0015280. Disease mechanism: gain of function.

Submissions (2):

Labcorp Genetics (formerly Invitae), Labcorp
Classification: Pathogenic for RASopathy. Last evaluated: 2024-09-26. Review status: criteria provided, single submitter. Criteria: Invitae Variant Classification Sherloc (09022015). Collection method: clinical testing. Allele origin: germline.
Comment: This sequence change replaces lysine, which is basic and polar, with threonine, which is neutral and polar, at codon 483 of the BRAF protein (p.Lys483Thr). This variant is not present in population databases (gnomAD no frequency). This missense change has been observed in individual(s) with Noonan syndrome (internal data). In at least one individual the variant was observed to be de novo. ClinVar contains an entry for this variant (Variation ID: 666412). Invitae Evidence Modeling of protein sequence and biophysical properties (such as structural, functional, and spatial information, amino acid conservation, physicochemical variation, residue mobility, and thermodynamic stability) indicates that this missense variant is expected to disrupt BRAF protein function with a positive predictive value of 80%. For these reasons, this variant has been classified as Pathogenic.

Service de Génétique Moléculaire, Hôpital Robert Debré
Classification: Likely pathogenic for Cardio-facio-cutaneous syndrome. Review status: no assertion criteria provided. Collection method: clinical testing. Allele origin: de novo. Affected: yes. Observed: 1 variant allele. Not counted in ClinVar's aggregate classification.